The following is an entry in ClinVar:

NM_002582.4(PARN):c.407A>T (p.Gln136Leu)

Gene: PARN (poly(A)-specific ribonuclease; minus strand). Cytogenetic location: 16p13.12.
Variant type: single nucleotide variant.
Coding change: c.407A>T on transcript NM_002582.4 (MANE Select); coding-DNA position 407, A replaced by T.
Protein change: p.Gln136Leu; replaces glutamine 136 with leucine.
Molecular consequence: missense variant.
Genome position (GRCh38, 1-based): chr16:14,610,791, T>A on the plus strand (A>T on the coding strand, the complement: PARN is on the minus strand). VCF-style: chr16-14610791-T-A. GRCh37 (hg19) VCF-style: chr16-14704648-T-A.
Other names: c.407A>T, p.Gln136Leu (LRG_1286t1); c.224A>T, p.Gln75Leu (NM_001134477.3); c.269A>T, p.Gln90Leu (NM_001242992.2); short protein forms Q75L, Q136L, Q90L.
Identifiers: ClinVar variation 653970 (VCV000653970.7), dbSNP rs374762200, ClinGen allele CA7912420.

ClinVar aggregate classification (germline): Uncertain significance. Review status: criteria provided, multiple submitters, no conflicts (2 of 4 stars). 3 submissions from 3 submitters: Uncertain significance (3). Last evaluated 2024-06-14.

Conditions:
Dyskeratosis congenita, autosomal recessive 6 (DKCB6). Identifiers: MedGen C4225356, MONDO:0014600, OMIM 616353.
Pulmonary fibrosis and/or bone marrow failure, Telomere-related, 4. Also called: PULMONARY FIBROSIS AND/OR BONE MARROW FAILURE SYNDROME, TELOMERE-RELATED, 4. Identifiers: Orphanet 2032, MedGen C4225347, MONDO:0014612, OMIM 616371.

Allele frequency attached by ClinVar (database versions not stated): gnomAD exomes 0.00001 and 0.00002; ExAC 0.00002; TOPMed 0.00002; gnomAD 0.00005; ESP Exome Variant Server 0.00008; 1000 Genomes Project 30x 0.00016; 1000 Genomes Project 0.00020.
gnomAD v4.1: 34 of 1,607,932 alleles (0.0021%); highest among the groups gnomAD compares: African/African-American, 0.0027%; no homozygotes.

Submissions (3):

Fulgent Genetics
Classification: Uncertain significance for Dyskeratosis congenita, autosomal recessive 6; Pulmonary fibrosis and/or bone marrow failure, Telomere-related, 4. Last evaluated: 2024-06-14. Review status: criteria provided, single submitter. Criteria: ACMG Guidelines, 2015. Collection method: clinical testing. Allele origin: germline.

Labcorp Genetics (formerly Invitae), Labcorp
Classification: Uncertain significance for Dyskeratosis congenita, autosomal recessive 6; Pulmonary fibrosis and/or bone marrow failure, Telomere-related, 4. Last evaluated: 2024-06-08. Review status: criteria provided, single submitter. Criteria: Invitae Variant Classification Sherloc (09022015). Collection method: clinical testing. Allele origin: germline.
Comment: This sequence change replaces glutamine, which is neutral and polar, with leucine, which is neutral and non-polar, at codon 136 of the PARN protein (p.Gln136Leu). This variant is present in population databases (rs374762200, gnomAD 0.008%). This variant has not been reported in the literature in individuals affected with PARN-related conditions. ClinVar contains an entry for this variant (Variation ID: 653970). Advanced modeling of protein sequence and biophysical properties (such as structural, functional, and spatial information, amino acid conservation, physicochemical variation, residue mobility, and thermodynamic stability) performed at Invitae indicates that this missense variant is not expected to disrupt PARN protein function with a negative predictive value of 80%. In summary, the available evidence is currently insufficient to determine the role of this variant in disease. Therefore, it has been classified as a Variant of Uncertain Significance.

Johns Hopkins Genomics, Johns Hopkins University
Classification: Uncertain significance for Pulmonary fibrosis and/or bone marrow failure, Telomere-related, 4. Last evaluated: 2022-12-12. Review status: criteria provided, single submitter. Criteria: ACMG Guidelines, 2015. Collection method: clinical testing. Allele origin: germline.
Comment: This PARN missense variant (rs374762200) is rare (<0.1%) in a large population dataset (gnomAD v3.1.2: 8/152216 total alleles; 0.0053%; no homozygotes). It has been reported in ClinVar (Variation ID 653970), but not in the literature, to our knowledge. Two bioinformatic tools queried predict that this substitution would be tolerated, and the glutamine residue at this position is evolutionarily conserved across most of the species assessed. We consider the clinical significance of c.407A>T; p.Gln136Leu in PARN to be uncertain at this time.

Literature cited by the submitters: PubMed 22834816 (cited by Johns Hopkins Genomics, Johns Hopkins University).